The following is an entry in ClinVar:

NM_000277.3(PAH):c.295A>G (p.Arg99Gly)

Gene: PAH (phenylalanine hydroxylase; minus strand). Cytogenetic location: 12q23.2.
Variant type: single nucleotide variant.
Coding change: c.295A>G on transcript NM_000277.3 (MANE Select); coding-DNA position 295, A replaced by G.
Protein change: p.Arg99Gly; replaces arginine 99 with glycine.
Molecular consequence: missense variant.
Genome position (GRCh38, 1-based): chr12:102,894,792, T>C on the plus strand (A>G on the coding strand, the complement: PAH is on the minus strand). VCF-style: chr12-102894792-T-C. GRCh37 (hg19) VCF-style: chr12-103288570-T-C.
Other names: c.295A>G, p.Arg99Gly (NM_001354304.2); short protein forms R99G.
Identifiers: ClinVar variation 1463860 (VCV001463860.8), dbSNP rs2136701651, ClinGen allele CA386304039.

ClinVar aggregate classification (germline): Uncertain significance (1 of 4 stars; one submission).

Conditions:
Phenylketonuria (PKU). Also called: OLIGOPHRENIA PHENYLPYRUVICA; Phenylketonurias; Phenylketonuria (PKU); FOLLING DISEASE. Identifiers: Orphanet 716, MedGen C0031485, MONDO:0009861, OMIM 261600. Disease mechanism: loss of function.

Submission:

Labcorp Genetics (formerly Invitae), Labcorp
Classification: Uncertain significance for Phenylketonuria. Last evaluated: 2021-06-05. Review status: criteria provided, single submitter. Criteria: Invitae Variant Classification Sherloc (09022015). Collection method: clinical testing. Allele origin: germline.
Comment: In summary, the available evidence is currently insufficient to determine the role of this variant in disease. Therefore, it has been classified as a Variant of Uncertain Significance. Advanced modeling of protein sequence and biophysical properties (such as structural, functional, and spatial information, amino acid conservation, physicochemical variation, residue mobility, and thermodynamic stability) performed at Invitae indicates that this missense variant is expected to disrupt PAH protein function. This variant has not been reported in the literature in individuals with PAH-related conditions. This variant is not present in population databases (ExAC no frequency). This sequence change replaces arginine with glycine at codon 99 of the PAH protein (p.Arg99Gly). The arginine residue is highly conserved and there is a moderate physicochemical difference between arginine and glycine.